The following is an entry in ClinVar:

ClinVar aggregate classification (germline): Uncertain significance. Review status: criteria provided, multiple submitters, no conflicts (2 of 4 stars). 5 submissions from 5 submitters: Uncertain significance (4). 1 of the submissions does not count toward it. Last evaluated 2024-11-11.

Conditions:
Renal tubular acidosis with progressive nerve deafness. Also called: renal tubular acidosis, distal, 2, with progressive sensorineural hearing loss; Distal Renal Tubular Acidosis with Progressive Sensorineural Deafness; RENAL TUBULAR ACIDOSIS, AUTOSOMAL RECESSIVE, WITH PROGRESSIVE NERVE DEAFNESS; RTA WITH PROGRESSIVE NERVE DEAFNESS. Identifiers: MedGen C0403554, MONDO:0009968, OMIM 267300.
Inborn genetic diseases. Identifiers: MedGen C0950123, MeSH D030342.

Allele frequency attached by ClinVar (database versions not stated): TOPMed below 0.00001; gnomAD 0.00001 and 0.00002; ExAC 0.00002; gnomAD exomes 0.00002; 1000 Genomes Project 30x 0.00016; 1000 Genomes Project 0.00020.
gnomAD v4.1: 17 of 1,614,152 alleles (0.0011%); highest among the groups gnomAD compares: East Asian, 0.0067%; no homozygotes.

Submissions (5):

Labcorp Genetics (formerly Invitae), Labcorp
Classification: Uncertain significance. Last evaluated: 2024-11-11. Review status: criteria provided, single submitter. Criteria: Invitae Variant Classification Sherloc (09022015). Collection method: clinical testing. Allele origin: germline.
Comment: This sequence change replaces arginine, which is basic and polar, with lysine, which is basic and polar, at codon 102 of the ATP6V1B1 protein (p.Arg102Lys). This variant is present in population databases (rs202011016, gnomAD 0.01%). This variant has not been reported in the literature in individuals affected with ATP6V1B1-related conditions. ClinVar contains an entry for this variant (Variation ID: 228448). Invitae Evidence Modeling of protein sequence and biophysical properties (such as structural, functional, and spatial information, amino acid conservation, physicochemical variation, residue mobility, and thermodynamic stability) indicates that this missense variant is not expected to disrupt ATP6V1B1 protein function with a negative predictive value of 95%. In summary, the available evidence is currently insufficient to determine the role of this variant in disease. Therefore, it has been classified as a Variant of Uncertain Significance.

Blueprint Genetics
Classification: Uncertain significance. Last evaluated: 2024-06-28. Review status: criteria provided, single submitter. Criteria: ACMG Guidelines, 2015. Collection method: clinical testing. Allele origin: germline.

Ambry Genetics
Classification: Uncertain significance for Inborn genetic diseases. Last evaluated: 2024-01-30. Review status: criteria provided, single submitter. Criteria: Ambry Variant Classification Scheme 2023. Collection method: clinical testing. Allele origin: germline.

Laboratory for Molecular Medicine, Mass General Brigham Personalized Medicine
Classification: Uncertain significance. Last evaluated: 2015-08-18. Review status: criteria provided, single submitter. Criteria: LMM Criteria. Collection method: clinical testing. Allele origin: germline. Observed: 1 variant allele.
Comment: Variant classified as Uncertain Significance - Favor Benign. The p.Arg102Lys var iant in ATP6V1B1 has not been previously reported in individuals with hearing lo ss or renal tubular acidosis. It has been identified in 1/66734 European chromo somes and 1/8652 East Asian chromosomes by the Exome Aggregation Consortium (ExA C; dbSNP rs202011016). Although this variant has been seen in the general population, its frequency is not high enough to rule o ut a pathogenic role. Computational prediction tools and conservation analysis s uggest that the p.Arg102Lys variant may not impact the protein, though this info rmation is not predictive enough to rule out pathogenicity. In summary, while th e clinical significance of the p.Arg102Lys variant is uncertain, these data sugg est that it is more likely to be benign.

Natera, Inc.
Classification: Uncertain significance for Renal tubular acidosis with progressive nerve deafness. Last evaluated: 2019-10-28. Review status: no assertion criteria provided. Collection method: clinical testing. Allele origin: germline. Not counted in ClinVar's aggregate classification.

NM_001692.4(ATP6V1B1):c.305G>A (p.Arg102Lys)

Gene: ATP6V1B1 (ATPase H+ transporting V1 subunit B1; plus strand). Cytogenetic location: 2p13.3.
Variant type: single nucleotide variant.
Coding change: c.305G>A on transcript NM_001692.4 (MANE Select); coding-DNA position 305, G replaced by A.
Protein change: p.Arg102Lys; replaces arginine 102 with lysine.
Molecular consequence: missense variant.
Genome position (GRCh38, 1-based): chr2:70,958,364, G>A. VCF-style: chr2-70958364-G-A. GRCh37 (hg19) VCF-style: chr2-71185494-G-A.
Other names: short protein forms R102K.
Identifiers: ClinVar variation 228448 (VCV000228448.12), dbSNP rs202011016, ClinGen allele CA1700988.